The following is an entry in ClinVar:

NM_003632.3(CNTNAP1):c.2669G>A (p.Arg890Gln)

Gene: CNTNAP1 (contactin associated protein 1; plus strand). Cytogenetic location: 17q21.2.
Variant type: single nucleotide variant.
Coding change: c.2669G>A on transcript NM_003632.3 (MANE Select); coding-DNA position 2669, G replaced by A.
Protein change: p.Arg890Gln; replaces arginine 890 with glutamine.
Molecular consequence: missense variant.
Genome position (GRCh38, 1-based): chr17:42,692,637, G>A. VCF-style: chr17-42692637-G-A. GRCh37 (hg19) VCF-style: chr17-40844655-G-A.
Other names: short protein forms R890Q.
Identifiers: ClinVar variation 1519190 (VCV001519190.8), dbSNP rs1248877516, ClinGen allele CA399649194.

ClinVar aggregate classification (germline): Uncertain significance (1 of 4 stars; one submission).

Allele frequency attached by ClinVar (database versions not stated): gnomAD exomes 0.00001; TOPMed 0.00001; gnomAD 0.00002.

Submission:

Labcorp Genetics (formerly Invitae), Labcorp
Classification: Uncertain significance. Last evaluated: 2024-10-16. Review status: criteria provided, single submitter. Criteria: Invitae Variant Classification Sherloc (09022015). Collection method: clinical testing. Allele origin: germline.
Comment: This sequence change replaces arginine, which is basic and polar, with glutamine, which is neutral and polar, at codon 890 of the CNTNAP1 protein (p.Arg890Gln). This variant is present in population databases (no rsID available, gnomAD 0.002%). This variant has not been reported in the literature in individuals affected with CNTNAP1-related conditions. ClinVar contains an entry for this variant (Variation ID: 1519190). An algorithm developed to predict the effect of missense changes on protein structure and function (PolyPhen-2) suggests that this variant is likely to be disruptive. In summary, the available evidence is currently insufficient to determine the role of this variant in disease. Therefore, it has been classified as a Variant of Uncertain Significance.